The following is an entry in ClinVar:

ClinVar aggregate classification (germline): Uncertain significance (1 of 4 stars; one submission).

Conditions:
Ataxia-telangiectasia syndrome (AT). Also called: ATAXIA-TELANGIECTASIA, COMPLEMENTATION GROUP A; ATAXIA-TELANGIECTASIA, FRESNO VARIANT; Ataxia-telangiectasia, complementation group D; LOUIS-BAR SYNDROME; AT, COMPLEMENTATION GROUP C; Ataxia-telangiectasia. Identifiers: Orphanet 100, MedGen C0004135, MONDO:0008840, OMIM 208900.

Submission:

Labcorp Genetics (formerly Invitae), Labcorp
Classification: Uncertain significance for Ataxia-telangiectasia syndrome. Last evaluated: 2023-12-30. Review status: criteria provided, single submitter. Criteria: Invitae Variant Classification Sherloc (09022015). Collection method: clinical testing. Allele origin: germline.
Comment: This variant, c.4345_4347dup, results in the insertion of 1 amino acid(s) of the ATM protein (p.Leu1450dup), but otherwise preserves the integrity of the reading frame. This variant is not present in population databases (gnomAD no frequency). This variant has not been reported in the literature in individuals affected with ATM-related conditions. In summary, the available evidence is currently insufficient to determine the role of this variant in disease. Therefore, it has been classified as a Variant of Uncertain Significance.

NM_000051.4(ATM):c.4342TTA[3] (p.Leu1450_Lys1451insLeu)

Gene: ATM (ATM serine/threonine kinase; plus strand). Cytogenetic location: 11q22.3.
Variant type: Microsatellite.
Coding change: c.4342TTA[3] on transcript NM_000051.4 (MANE Select); three copies in a row of the 3-base unit TTA starting at c.4342; the reference has two copies in a row; one copy, 3 bases duplicated.
Protein change: p.Leu1450_Lys1451insLeu.
Molecular consequence: inframe insertion.
Genome position (GRCh38, 1-based): chr11:108,289,710-108,289,712, TTA duplicated; duplicating any 3 consecutive bases within chr11:108,289,707-108,289,712 gives the same sequence; the position shown is the placement nearest the transcript's 3' end. VCF-style (leftmost placement, unchanged base first): chr11-108289706-T-TTTA. GRCh37 (hg19) VCF-style: chr11-108160433-T-TTTA.
Other names: c.4342TTA[3], p.Leu1450_Lys1451insLeu (NM_001351834.2).
Identifiers: ClinVar variation 2706574 (VCV002706574.3), dbSNP rs2546909723, ClinGen allele CA2697556374.